The following is an entry in ClinVar:

ClinVar aggregate classification (germline): Uncertain significance (1 of 4 stars; one submission).

Submission:

Labcorp Genetics (formerly Invitae), Labcorp
Classification: Uncertain significance. Last evaluated: 2025-11-09. Review status: criteria provided, single submitter. Criteria: Invitae Variant Classification Sherloc (09022015). Collection method: clinical testing. Allele origin: germline.
Comment: This sequence change replaces glutamine, which is neutral and polar, with glutamic acid, which is acidic and polar, at codon 237 of the CHRM2 protein (p.Gln237Glu). This variant is not present in population databases (gnomAD no frequency). This variant has not been reported in the literature in individuals affected with CHRM2-related conditions. ClinVar contains an entry for this variant (Variation ID: 2418038). An algorithm developed to predict the effect of missense changes on protein structure and function (PolyPhen-2) suggests that this variant is likely to be tolerated. In summary, the available evidence is currently insufficient to determine the role of this variant in disease. Therefore, it has been classified as a Variant of Uncertain Significance.

NM_001006630.2(CHRM2):c.709C>G (p.Gln237Glu)

Genes: CHRM2 (cholinergic receptor muscarinic 2; plus strand), LOC349160 (uncharacterized LOC349160; minus strand). Cytogenetic location: 7q33.
Variant type: single nucleotide variant.
Coding change: c.709C>G on transcript NM_001006630.2 (MANE Select); coding-DNA position 709, C replaced by G.
Protein change: p.Gln237Glu; replaces glutamine 237 with glutamic acid.
Molecular consequence: missense variant.
Genome position (GRCh38, 1-based): chr7:137,015,574, C>G. VCF-style: chr7-137015574-C-G. GRCh37 (hg19) VCF-style: chr7-136700321-C-G.
Other names: c.709C>G, p.Gln237Glu (NM_000739.3, NM_001006626.3, NM_001006627.3 and 6 more transcripts); short protein forms Q237E.
Identifiers: ClinVar variation 2418038 (VCV002418038.6), dbSNP rs2536207411, ClinGen allele CA369487101.
Genomic context (GRCh38, chr7:137,015,574, plus strand): 5'-ATAAAGAAGGACAAGAAGGAGCCTGTTGCCAACCAAGACCCCGTTTCTCCAAGTCTGGTA[C>G]AAGGAAGGATAGTGAAGCCAAACAATAACAACATGCCCAGCAGTGACGATGGCCTGGAGC-3'
Protein context (NP_001006631.1, residues 227-247): NQDPVSPSLV[Gln237Glu]GRIVKPNNNN